The following is an entry in ClinVar:

NM_013247.4(HTRA2):c.*531A>G

Genes: HTRA2 (HtrA serine peptidase 2; plus strand), LOXL3 (lysyl oxidase like 3; minus strand). Cytogenetic location: 2p13.1.
Variant type: single nucleotide variant.
Coding change: c.*531A>G on transcript NM_013247.4; 531 bases downstream of the stop codon, A replaced by G.
Molecular consequence: 3 prime UTR variant (on NM_032603.5). On other transcripts: non-coding transcript variant (4).
Genome position (GRCh38, 1-based): chr2:74,533,516, A>G. VCF-style: chr2-74533516-A-G. GRCh37 (hg19) VCF-style: chr2-74760643-A-G.
Other names: c.*531A>G (NM_001321727.1, NM_001321728.1, NM_145074.2); c.*90T>C (NM_001289164.3, NM_001289165.2, NM_032603.5).
Identifiers: ClinVar variation 337145 (VCV000337145.8), dbSNP rs114661282, ClinGen allele CA10616103.

ClinVar aggregate classification (germline): Benign. Review status: criteria provided, multiple submitters, no conflicts (2 of 4 stars). 2 submissions from 2 submitters: Benign (2). Last evaluated 2018-01-12.

Conditions:
Parkinson disease 13, autosomal dominant, susceptibility to. Identifiers: Orphanet 2828, MedGen C1853202, MONDO:0012466, OMIM 610297.

Allele frequency attached by ClinVar (database versions not stated): gnomAD 0.01299 and 0.01397; 1000 Genomes Project 0.01398; 1000 Genomes Project 30x 0.01468; gnomAD exomes 0.00140; TOPMed 0.01452.
gnomAD v4.1: 3,440 of 1,183,926 alleles (0.29%); highest among the groups gnomAD compares: African/African-American, 4.7%; 77 homozygotes.

Submissions (2):

Illumina Laboratory Services, Illumina
Classification: Benign for Parkinson disease 13, autosomal dominant, susceptibility to. Last evaluated: 2018-01-12. Review status: criteria provided, single submitter. Criteria: ICSL Variant Classification Criteria 13 December 2019. Collection method: clinical testing. Allele origin: germline.
Comment: This variant was observed in the ICSL laboratory as part of a predisposition screen in an ostensibly healthy population. It had not been previously curated by ICSL or reported in the Human Gene Mutation Database (HGMD: prior to June 1st, 2018), and was therefore a candidate for classification through an automated scoring system. Utilizing variant allele frequency, disease prevalence and penetrance estimates, and inheritance mode, an automated score was calculated to assess if this variant is too frequent to cause the disease. Based on the score and internal cut-off values, a variant classified as benign is not then subjected to further curation. The score for this variant resulted in a classification of benign for this disease.

Breakthrough Genomics
Classification: Benign. Review status: criteria provided, single submitter. Criteria: ACMG Guidelines, 2015. Collection method: not provided. Allele origin: germline. Inheritance: Autosomal recessive inheritance. Affected: yes.